The following is an entry in ClinVar:

NM_002156.5(HSPD1):c.1215+1G>A

Gene: HSPD1 (heat shock protein family D (Hsp60) member 1; minus strand). Cytogenetic location: 2q33.1.
Variant type: single nucleotide variant.
Coding change: c.1215+1G>A on transcript NM_002156.5 (MANE Select); the canonical splice donor site of the intron after coding-DNA position 1215, G replaced by A.
Molecular consequence: splice donor variant.
Genome position (GRCh38, 1-based): chr2:197,489,001, C>T on the plus strand (G>A on the coding strand, the complement: HSPD1 is on the minus strand). VCF-style: chr2-197489001-C-T. GRCh37 (hg19) VCF-style: chr2-198353725-C-T.
Other names: c.1215+1G>A (NM_199440.2).
Identifiers: ClinVar variation 3239512 (VCV003239512.19), dbSNP rs2470108226.

ClinVar aggregate classification (germline): Uncertain significance (1 of 4 stars; one submission).

Submission:

CeGaT Center for Human Genetics Tuebingen
Classification: Uncertain significance. Last evaluated: 2025-07-01. Review status: criteria provided, single submitter. Criteria: CeGaT Center For Human Genetics Tuebingen Variant Classification Criteria Version 2. Collection method: clinical testing. Allele origin: germline. Affected: yes. Observed: 2 variant alleles.
Comment: HSPD1: PM2